The following is an entry in ClinVar:

ClinVar aggregate classification (germline): Likely pathogenic (1 of 4 stars; one submission).

Conditions:
MYORG-related disorder. Also called: MYORG-related condition.

gnomAD v4.1: 22 of 1,610,594 alleles (0.0014%); highest among the groups gnomAD compares: East Asian, 0.0022%; no homozygotes.

Submission:

PreventionGenetics, part of Exact Sciences
Classification: Likely pathogenic for MYORG-related condition. Last evaluated: 2026-02-04. Review status: criteria provided, single submitter. Criteria: ACMG Guidelines, 2015. Collection method: clinical testing. Allele origin: germline.
Comment: The MYORG c.695C>A variant is predicted to result in premature protein termination (p.Ser232*). To our knowledge, this variant has not been reported in the literature. This variant is reported in 0.0016% of alleles in individuals of European (Non-Finnish) descent in gnomAD. Nonsense variants in MYORG are expected to be pathogenic. This variant is interpreted as likely pathogenic.

NM_020702.5(MYORG):c.695C>A (p.Ser232Ter)

Gene: MYORG (myogenesis regulating glycosidase; minus strand). Cytogenetic location: 9p13.3.
Variant type: single nucleotide variant.
Coding change: c.695C>A on transcript NM_020702.5 (MANE Select); coding-DNA position 695, C replaced by A.
Protein change: p.Ser232Ter; replaces serine 232 with a stop codon.
Molecular consequence: nonsense.
Genome position (GRCh38, 1-based): chr9:34,372,249, G>T on the plus strand (C>A on the coding strand, the complement: MYORG is on the minus strand). VCF-style: chr9-34372249-G-T. GRCh37 (hg19) VCF-style: chr9-34372247-G-T.
Other names: short protein forms S232*.
Identifiers: ClinVar variation 4984087 (VCV004984087.1).